The following is an entry in ClinVar:

NM_058216.3(RAD51C):c.148G>C (p.Val50Leu)

Gene: RAD51C (RAD51 paralog C; plus strand). Cytogenetic location: 17q22.
Variant type: single nucleotide variant.
Coding change: c.148G>C on transcript NM_058216.3 (MANE Select); coding-DNA position 148, G replaced by C.
Protein change: p.Val50Leu; replaces valine 50 with leucine.
Molecular consequence: missense variant. On other transcripts: non-coding transcript variant (2).
Genome position (GRCh38, 1-based): chr17:58,694,933, G>C. VCF-style: chr17-58694933-G-C. GRCh37 (hg19) VCF-style: chr17-56772294-G-C.
Other names: c.148G>C, p.Val50Leu (NM_002876.4); short protein forms V50L.
Identifiers: ClinVar variation 3660446 (VCV003660446.2).

ClinVar aggregate classification (germline): Uncertain significance (1 of 4 stars; one submission).

Conditions:
Fanconi anemia complementation group O. Also called: RAD51C-Related Fanconi Anemia. Identifiers: Orphanet 84, MedGen C3150653, MONDO:0013248, OMIM 613390.

Submission:

Labcorp Genetics (formerly Invitae), Labcorp
Classification: Uncertain significance for Fanconi anemia complementation group O. Last evaluated: 2024-07-24. Review status: criteria provided, single submitter. Criteria: Invitae Variant Classification Sherloc (09022015). Collection method: clinical testing. Allele origin: germline.
Comment: This sequence change replaces valine, which is neutral and non-polar, with leucine, which is neutral and non-polar, at codon 50 of the RAD51C protein (p.Val50Leu). This variant is not present in population databases (gnomAD no frequency). This variant has not been reported in the literature in individuals affected with RAD51C-related conditions. An algorithm developed to predict the effect of missense changes on protein structure and function (PolyPhen-2) suggests that this variant is likely to be tolerated. In summary, the available evidence is currently insufficient to determine the role of this variant in disease. Therefore, it has been classified as a Variant of Uncertain Significance.